The following is an entry in ClinVar:

NM_000064.4(C3):c.3625A>G (p.Lys1209Glu)

Gene: C3 (complement C3; minus strand). Cytogenetic location: 19p13.3.
Variant type: single nucleotide variant.
Coding change: c.3625A>G on transcript NM_000064.4 (MANE Select); coding-DNA position 3625, A replaced by G.
Protein change: p.Lys1209Glu; replaces lysine 1209 with glutamic acid.
Molecular consequence: missense variant.
Genome position (GRCh38, 1-based): chr19:6,686,767, T>C on the plus strand (A>G on the coding strand, the complement: C3 is on the minus strand). VCF-style: chr19-6686767-T-C. GRCh37 (hg19) VCF-style: chr19-6686778-T-C.
Other names: short protein forms K1209E.
Identifiers: ClinVar variation 1510552 (VCV001510552.10), dbSNP rs772555308, ClinGen allele CA9128683.

ClinVar aggregate classification (germline): Uncertain significance. Review status: criteria provided, multiple submitters, no conflicts (2 of 4 stars). 3 submissions from 3 submitters: Uncertain significance (3). Last evaluated 2025-09-30.

Conditions:
Atypical hemolytic-uremic syndrome. Identifiers: Orphanet 2134, MedGen C2931788, MONDO:0016244.

Allele frequency attached by ClinVar (database versions not stated): ExAC 0.00001; TOPMed 0.00001; gnomAD exomes 0.00002 and 0.00003; gnomAD 0.00003.

Submissions (3):

Genomenon, Inc
Classification: Uncertain significance for Atypical hemolytic-uremic syndrome. Last evaluated: 2025-09-30. Review status: criteria provided, single submitter. Criteria: Genomenon Sequence Variant Interpretation Standards. Collection method: curation. Allele origin: germline. Affected: yes.
Comment: C3 p.Lys1209Glu (c.3625A>G) is a missense variant that changes the amino acid at residue 1209 from Lysine to Glutamic acid. This variant has been observed in at least one proband affected with atypical hemolytic-uremic syndrome (PMID:25608561). It is absent or not present at a significant frequency in gnomAD. In silico models agree that this variant is possibly or probably damaging. In conclusion, we classify C3 p.Lys1209Glu (c.3625A>G) as a variant of unknown significance.

Blueprint Genetics
Classification: Uncertain significance. Last evaluated: 2024-11-15. Review status: criteria provided, single submitter. Criteria: ACMG Guidelines, 2015. Collection method: clinical testing. Allele origin: germline.

Labcorp Genetics (formerly Invitae), Labcorp
Classification: Uncertain significance. Last evaluated: 2021-03-22. Review status: criteria provided, single submitter. Criteria: Invitae Variant Classification Sherloc (09022015). Collection method: clinical testing. Allele origin: germline.
Comment: In summary, the available evidence is currently insufficient to determine the role of this variant in disease. Therefore, it has been classified as a Variant of Uncertain Significance. Algorithms developed to predict the effect of missense changes on protein structure and function (SIFT, PolyPhen-2, Align-GVGD) all suggest that this variant is likely to be tolerated, but these predictions have not been confirmed by published functional studies and their clinical significance is uncertain. This variant has been observed in individual(s) with atypical hemolytic uremic syndrome (PMID: 25608561). This variant is also known as K1187E in the literature. This variant is present in population databases (rs772555308, ExAC 0.001%). This sequence change replaces lysine with glutamic acid at codon 1209 of the C3 protein (p.Lys1209Glu). The lysine residue is highly conserved and there is a small physicochemical difference between lysine and glutamic acid.

Literature cited by the submitters: PubMed 25608561 (cited by Genomenon, Inc and Labcorp Genetics (formerly Invitae), Labcorp).